The following is an entry in ClinVar:

ClinVar aggregate classification (germline): Uncertain significance (1 of 4 stars; one submission).

Conditions:
X-linked distal spinal muscular atrophy type 3. Also called: SPINAL MUSCULAR ATROPHY, DISTAL, X-LINKED RECESSIVE; NEURONOPATHY, DISTAL HEREDITARY MOTOR, X-LINKED; NEUROPATHY, DISTAL HEREDITARY MOTOR, X-LINKED; ATP7A-Related Distal Motor Neuropathy. Identifiers: Orphanet 139557, MedGen C1845359, MONDO:0010338, OMIM 300489.
Menkes kinky-hair syndrome (MNK). Also called: Copper transport disease; Classic Menkes Disease; Menkes Disease. Identifiers: Orphanet 565, MedGen C0022716, MONDO:0010651, OMIM 309400.
Cutis laxa, X-linked (OHS). Also called: EDS IX; Occipital horn syndrome. Identifiers: Orphanet 198, MedGen C0268353, MONDO:0010572, OMIM 304150.

Submission:

Labcorp Genetics (formerly Invitae), Labcorp
Classification: Uncertain significance for X-linked distal spinal muscular atrophy type 3; Cutis laxa, X-linked; Menkes kinky-hair syndrome. Last evaluated: 2022-12-05. Review status: criteria provided, single submitter. Criteria: Invitae Variant Classification Sherloc (09022015). Collection method: clinical testing. Allele origin: germline.
Comment: This sequence change replaces isoleucine, which is neutral and non-polar, with threonine, which is neutral and polar, at codon 1142 of the ATP7A protein (p.Ile1142Thr). This variant is not present in population databases (gnomAD no frequency). In summary, the available evidence is currently insufficient to determine the role of this variant in disease. Therefore, it has been classified as a Variant of Uncertain Significance. Advanced modeling of protein sequence and biophysical properties (such as structural, functional, and spatial information, amino acid conservation, physicochemical variation, residue mobility, and thermodynamic stability) performed at Invitae indicates that this missense variant is not expected to disrupt ATP7A protein function. ClinVar contains an entry for this variant (Variation ID: 1719524). This variant has not been reported in the literature in individuals affected with ATP7A-related conditions.

NM_000052.7(ATP7A):c.3425T>C (p.Ile1142Thr)

Gene: ATP7A (ATPase copper transporting alpha; plus strand). Cytogenetic location: Xq21.1.
Variant type: single nucleotide variant.
Coding change: c.3425T>C on transcript NM_000052.7 (MANE Select); coding-DNA position 3425, T replaced by C.
Protein change: p.Ile1142Thr; replaces isoleucine 1142 with threonine.
Molecular consequence: missense variant. On other transcripts: non-coding transcript variant (1).
Genome position (GRCh38, 1-based): chrX:78,033,735, T>C. VCF-style: chrX-78033735-T-C. GRCh37 (hg19) VCF-style: chrX-77289233-T-C.
Other names: c.3191T>C, p.Ile1064Thr (NM_001282224.2); short protein forms I1064T, I1142T.
Identifiers: ClinVar variation 1719524 (VCV001719524.6), dbSNP rs2522401361, ClinGen allele CA413604136.